The following is an entry in ClinVar:

ClinVar aggregate classification (germline): Uncertain significance. Review status: criteria provided, multiple submitters, no conflicts (2 of 4 stars). 2 submissions from 2 submitters: Uncertain significance (2). Last evaluated 2023-05-20.

Conditions:
Epidermolysis bullosa simplex 5C, with pyloric atresia (EBS5C). Also called: PLEC-Related Epidermolysis Bullosa with Pyloric Atresia; Epidermolysis bullosa simplex with pyloric atresia; PLEC1-Related Epidermolysis Bullosa with Pyloric Atresia. Identifiers: Orphanet 158684, MedGen C2677349, MONDO:0012807, OMIM 612138.
Epidermolysis bullosa simplex with nail dystrophy (EBS5D). Identifiers: MedGen C4225309, MONDO:0014661, OMIM 616487.
Epidermolysis bullosa simplex 5B, with muscular dystrophy (EBS5B). Also called: Epidermolysis bullosa simplex with muscular dystrophy; EPIDERMOLYSIS BULLOSA SIMPLEX AND LIMB-GIRDLE MUSCULAR DYSTROPHY. Identifiers: Orphanet 257, MedGen C2931072, MONDO:0009181, OMIM 226670.
Epidermolysis bullosa simplex, Ogna type (EBS5A). Also called: Pidermolysis bullosa simplex 5A, Ogna type; EPIDERMOLYSIS BULLOSA SIMPLEX 5A, OGNA TYPE. Identifiers: Orphanet 79401, MedGen C0432317, MONDO:0007555, OMIM 131950.
Autosomal recessive limb-girdle muscular dystrophy type 2Q (LGMDR17). Also called: MUSCULAR DYSTROPHY, LIMB-GIRDLE, AUTOSOMAL RECESSIVE 17. Identifiers: Orphanet 254361, MedGen C3150989, MONDO:0013390, OMIM 613723.

Allele frequency attached by ClinVar (database versions not stated): gnomAD exomes below 0.00001 and 0.00001; TOPMed below 0.00001; gnomAD 0.00001; ExAC 0.00002.

Submissions (2):

Neuberg Centre For Genomic Medicine, NCGM
Classification: Uncertain significance for Epidermolysis bullosa simplex 5C, with pyloric atresia. Last evaluated: 2023-05-20. Review status: criteria provided, single submitter. Criteria: ACMG Guidelines, 2015. Collection method: clinical testing. Allele origin: germline. Inheritance: Autosomal recessive inheritance. Affected: yes.
Comment: The observed missense variant c.8548A>G(p.Thr2850Ala) in PLEC gene has not been reported previously as a pathogenic variant nor as a benign variant, to our knowledge. The c.8548A>G variant has 0.001% allele frequency in gnomAD Exomes. This variant has been submitted to the ClinVar database as Uncertain Significance. However, no details are available for independent assessment.The amino acid Threonine at position 2850 is changed to a Alanine changing protein sequence and it might alter its composition and physico-chemical properties.Computational evidence (Polyphen-Benign, SIFT-damaging and Mutation Taster-disease causing) predicts conflicting evidence on protein structure and function for this variant. The reference amino acid p.Thr2850Ala in PLEC is predicted as conserved by GERP++ and PhyloP across 100 vertebrates. For these reasons, this variant has been classified as Uncertain Significance.

Labcorp Genetics (formerly Invitae), Labcorp
Classification: Uncertain significance for Autosomal recessive limb-girdle muscular dystrophy type 2Q; Epidermolysis bullosa simplex, Ogna type; Epidermolysis bullosa simplex with nail dystrophy; Epidermolysis bullosa simplex 5C, with pyloric atresia; Epidermolysis bullosa simplex 5B, with muscular dystrophy. Last evaluated: 2018-07-09. Review status: criteria provided, single submitter. Criteria: Invitae Variant Classification Sherloc (09022015). Collection method: clinical testing. Allele origin: germline.
Comment: This sequence change replaces threonine with alanine at codon 2877 of the PLEC protein (p.Thr2877Ala). The threonine residue is moderately conserved and there is a small physicochemical difference between threonine and alanine. In summary, the available evidence is currently insufficient to determine the role of this variant in disease. Therefore, it has been classified as a Variant of Uncertain Significance. Algorithms developed to predict the effect of missense changes on protein structure and function output the following: SIFT: "Tolerated"; PolyPhen-2: "Benign"; Align-GVGD: "Class C0". The alanine amino acid residue is found in multiple mammalian species, suggesting that this missense change does not adversely affect protein function. These predictions have not been confirmed by published functional studies and their clinical significance is uncertain. This variant has not been reported in the literature in individuals with PLEC-related disease. This variant is present in population databases (rs782009185, ExAC 0.003%).

NM_201384.3(PLEC):c.8548A>G (p.Thr2850Ala)

Gene: PLEC (plectin; minus strand). Cytogenetic location: 8q24.3.
Variant type: single nucleotide variant.
Coding change: c.8548A>G on transcript NM_201384.3 (MANE Select); coding-DNA position 8548, A replaced by G.
Protein change: p.Thr2850Ala; replaces threonine 2850 with alanine.
Molecular consequence: missense variant.
Genome position (GRCh38, 1-based): chr8:143,921,273, T>C on the plus strand (A>G on the coding strand, the complement: PLEC is on the minus strand). VCF-style: chr8-143921273-T-C. GRCh37 (hg19) VCF-style: chr8-144995441-T-C.
Other names: c.8629A>G, p.Thr2877Ala (NM_000445.5); c.8506A>G, p.Thr2836Ala (NM_201378.4); c.8482A>G, p.Thr2828Ala (NM_201379.3); c.8959A>G, p.Thr2987Ala (NM_201380.4); c.8452A>G, p.Thr2818Ala (NM_201381.3); c.8548A>G, p.Thr2850Ala (NM_201382.4); c.8560A>G, p.Thr2854Ala (NM_201383.3); short protein forms T2818A, T2828A, T2836A, T2850A, T2854A, T2877A, T2987A.
Identifiers: ClinVar variation 1062422 (VCV001062422.6), dbSNP rs782009185, ClinGen allele CA4925267.